The following is an entry in ClinVar:

ClinVar aggregate classification (germline): Uncertain significance (1 of 4 stars; one submission).

Conditions:
Oligodontia-cancer predisposition syndrome. Also called: TOOTH AGENESIS-COLORECTAL CANCER SYNDROME. Identifiers: Orphanet 300576, MedGen C1837750, MONDO:0012075, OMIM 608615. Disease mechanism: loss of function.

Submission:

Labcorp Genetics (formerly Invitae), Labcorp
Classification: Uncertain significance for Oligodontia-cancer predisposition syndrome. Last evaluated: 2025-07-09. Review status: criteria provided, single submitter. Criteria: Invitae Variant Classification Sherloc (09022015). Collection method: clinical testing. Allele origin: germline.
Comment: This sequence change replaces threonine, which is neutral and polar, with asparagine, which is neutral and polar, at codon 246 of the AXIN2 protein (p.Thr246Asn). This variant is not present in population databases (gnomAD no frequency). This variant has not been reported in the literature in individuals affected with AXIN2-related conditions. Invitae Evidence Modeling of protein sequence and biophysical properties (such as structural, functional, and spatial information, amino acid conservation, physicochemical variation, residue mobility, and thermodynamic stability) indicates that this missense variant is not expected to disrupt AXIN2 protein function with a negative predictive value of 80%. In summary, the available evidence is currently insufficient to determine the role of this variant in disease. Therefore, it has been classified as a Variant of Uncertain Significance.

NM_004655.4(AXIN2):c.737C>A (p.Thr246Asn)

Gene: AXIN2 (axin 2; minus strand). Cytogenetic location: 17q24.1.
Variant type: single nucleotide variant.
Coding change: c.737C>A on transcript NM_004655.4 (MANE Select); coding-DNA position 737, C replaced by A.
Protein change: p.Thr246Asn; replaces threonine 246 with asparagine.
Molecular consequence: missense variant.
Genome position (GRCh38, 1-based): chr17:65,557,884, G>T on the plus strand (C>A on the coding strand, the complement: AXIN2 is on the minus strand). VCF-style: chr17-65557884-G-T. GRCh37 (hg19) VCF-style: chr17-63554002-G-T.
Other names: c.737C>A, p.Thr246Asn (NM_001363813.1); short protein forms T246N.
Identifiers: ClinVar variation 4762443 (VCV004762443.1).